The following is an entry in ClinVar:

NM_001177676.2(GPR68):c.423C>T (p.Val141=)

Gene: GPR68 (G protein-coupled receptor 68; minus strand). Cytogenetic location: 14q32.11.
Variant type: single nucleotide variant.
Coding change: c.423C>T on transcript NM_001177676.2 (MANE Select); coding-DNA position 423, C replaced by T.
Protein change: p.Val141=; no amino-acid change (valine 141 retained).
Molecular consequence: synonymous variant.
Genome position (GRCh38, 1-based): chr14:91,234,628, G>A on the plus strand (C>T on the coding strand, the complement: GPR68 is on the minus strand). VCF-style: chr14-91234628-G-A. GRCh37 (hg19) VCF-style: chr14-91700972-G-A.
Other names: c.423C>T, p.Val141= (NM_001348437.1, NM_003485.3).
Identifiers: ClinVar variation 3035539 (VCV003035539.2), dbSNP rs149205377, ClinGen allele CA7308357.
Genomic context (GRCh38, chr14:91,234,628, plus strand): 5'-CTCCTCGTGCATCAGGAAGTAGATGCTGGTCAGCAGCTCCTTGGCCCAGATGACCACGCT[G>A]ACGCCGACGGCCGCCTTCAGGGTCCGGAACTGGTGGAAGCGGAAGGGATGGGCCACAGCC-3'
Protein context (NP_001171147.1, residues 131-151): QFRTLKAAVG[Val141=]SVVIWAKELL

ClinVar aggregate classification (germline): Likely benign (0 of 4 stars; one submission).

Conditions:
GPR68-related disorder. Also called: GPR68-related condition.

Allele frequency attached by ClinVar (database versions not stated): gnomAD exomes 0.00005; ExAC 0.00006; gnomAD 0.00011; TOPMed 0.00019; ESP Exome Variant Server 0.00046.

Submission:

PreventionGenetics, part of Exact Sciences
Classification: Likely benign for GPR68-related condition. Last evaluated: 2019-08-14. Review status: no assertion criteria provided. Collection method: clinical testing. Allele origin: germline.
Comment: This variant is classified as likely benign based on ACMG/AMP sequence variant interpretation guidelines (Richards et al. 2015 PMID: 25741868, with internal and published modifications).